The following is an entry in ClinVar:

NM_001519.4(BRF1):c.1852G>A (p.Gly618Arg)

Gene: BRF1 (BRF1 general transcription factor IIIB subunit; minus strand). Cytogenetic location: 14q32.33.
Variant type: single nucleotide variant.
Coding change: c.1852G>A on transcript NM_001519.4 (MANE Select); coding-DNA position 1852, G replaced by A.
Protein change: p.Gly618Arg; replaces glycine 618 with arginine.
Molecular consequence: missense variant.
Genome position (GRCh38, 1-based): chr14:105,211,266, C>T on the plus strand (G>A on the coding strand, the complement: BRF1 is on the minus strand). VCF-style: chr14-105211266-C-T. GRCh37 (hg19) VCF-style: chr14-105677603-C-T.
Other names: c.1573G>A, p.Gly525Arg (NM_001242786.2); c.1507G>A, p.Gly503Arg (NM_001242787.2); c.1771G>A, p.Gly591Arg (NM_001242788.2); c.1138G>A, p.Gly380Arg (NM_001242789.2); c.1240G>A, p.Gly414Arg (NM_145685.3); short protein forms G380R, G414R, G503R, G525R, G591R, G618R.
Identifiers: ClinVar variation 1676481 (VCV001676481.3), dbSNP rs200441045, ClinGen allele CA7386939.

ClinVar aggregate classification (germline): Uncertain significance (1 of 4 stars; one submission).

gnomAD v4.1: 21 of 1,605,784 alleles (0.0013%); highest among the groups gnomAD compares: African/African-American, 0.0027%; no homozygotes.

Submission:

Greenwood Genetic Center Diagnostic Laboratories, Greenwood Genetic Center
Classification: Uncertain significance. Last evaluated: 2022-03-11. Review status: criteria provided, single submitter. Criteria: ACMG Guidelines, 2015. Collection method: clinical testing. Allele origin: germline. Affected: yes.
Comment: PM2